The following is an entry in ClinVar:

ClinVar aggregate classification (germline): Uncertain significance. Review status: criteria provided, multiple submitters, no conflicts (2 of 4 stars). 2 submissions from 2 submitters: Uncertain significance (2). Last evaluated 2023-09-01.

Allele frequency attached by ClinVar (database versions not stated): TOPMed 0.00005; gnomAD 0.00009; ExAC 0.00015; gnomAD exomes 0.00015.
gnomAD v4.1: 99 of 1,613,806 alleles (0.0061%); highest among the groups gnomAD compares: East Asian, 0.0045%; no homozygotes.

Submissions (3):

Labcorp Genetics (formerly Invitae), Labcorp
Classification: Uncertain significance. Last evaluated: 2023-09-01. Review status: criteria provided, single submitter. Criteria: Invitae Variant Classification Sherloc (09022015). Collection method: clinical testing. Allele origin: germline.
Comment: In summary, the available evidence is currently insufficient to determine the role of this variant in disease. Therefore, it has been classified as a Variant of Uncertain Significance. Variants that disrupt the consensus splice site are a relatively common cause of aberrant splicing (PMID: 17576681, 9536098). Algorithms developed to predict the effect of sequence changes on RNA splicing suggest that this variant may disrupt the consensus splice site. ClinVar contains an entry for this variant (Variation ID: 1353911). This variant has not been reported in the literature in individuals affected with ARHGEF18-related conditions. This variant is present in population databases (rs759944824, gnomAD 0.09%). This sequence change falls in intron 13 of the ARHGEF18 gene. It does not directly change the encoded amino acid sequence of the ARHGEF18 protein. It affects a nucleotide within the consensus splice site.

Blueprint Genetics
Classification: Uncertain significance. Last evaluated: 2022-10-13. Review status: criteria provided, single submitter. Criteria: ACMG Guidelines, 2015. Collection method: clinical testing. Allele origin: germline.

Dr. Peter K. Rogan Lab, Western University
No classification provided (evidence only). Condition: Malignant tumor of urinary bladder. Review status: no classification provided. Collection method: in vitro. Allele origin: not applicable. Functional consequence: retained intron. Not counted in ClinVar's aggregate classification.

Literature cited by the submitters: PubMed 17576681 (cited by Labcorp Genetics (formerly Invitae), Labcorp); PubMed 9536098 (cited by Labcorp Genetics (formerly Invitae), Labcorp).

NM_001367823.1(ARHGEF18):c.2904+5G>A

Gene: ARHGEF18 (Rho/Rac guanine nucleotide exchange factor 18; plus strand). Cytogenetic location: 19p13.2.
Variant type: single nucleotide variant.
Coding change: c.2904+5G>A on transcript NM_001367823.1 (MANE Select); 5 bases into the intron after coding-DNA position 2904, G replaced by A.
Molecular consequence: intron variant.
Genome position (GRCh38, 1-based): chr19:7,464,695, G>A. VCF-style: chr19-7464695-G-A. GRCh37 (hg19) VCF-style: chr19-7529581-G-A.
Other names: c.1866+5G>A (NM_001367824.1, NM_015318.4); c.2178+5G>A (NM_001130955.2).
Identifiers: ClinVar variation 1353911 (VCV001353911.6), dbSNP rs759944824, ClinGen allele CA9137016.